The following is an entry in ClinVar:

ClinVar aggregate classification (germline): Conflicting classifications of pathogenicity. Review status: criteria provided, conflicting classifications (1 of 4 stars). 7 submissions from 7 submitters: Pathogenic (2); Likely pathogenic (3); Uncertain significance (2). Last evaluated 2026-08-26.

Conditions:
Usher syndrome. Also called: Usher Syndromes; Usher's syndrome. Identifiers: Orphanet 886, MedGen CN469326, MeSH D052245, MONDO:0019501. Disease mechanism: loss of function.
Usher syndrome type 2A. Also called: RETINAL DISEASE IN USHER SYNDROME TYPE IIA, MODIFIER OF; USHER SYNDROME, TYPE IIA. Identifiers: Orphanet 231178, Orphanet 886, MedGen C1848634, MONDO:0010169, OMIM 276901.
USH2A-related disorder. Also called: USH2A-related disorders; USH2A-related condition. Identifiers: MedGen CN239332.
Retinitis pigmentosa 39 (RP39). Identifiers: Orphanet 791, MedGen C3151138, MONDO:0013436, OMIM 613809.

Allele frequency attached by ClinVar (database versions not stated): gnomAD exomes below 0.00001; gnomAD 0.00001.
gnomAD v4.1: 6 of 1,612,958 alleles (0.00037%); highest among the groups gnomAD compares: African/African-American, 0.0013%; no homozygotes.

Submissions (7):

GeneDx
Classification: Likely pathogenic. Last evaluated: 2026-08-26. Review status: criteria provided, single submitter. Criteria: GeneDx Variant Classification Process June 2021. Collection method: clinical testing. Allele origin: germline.
Comment: Alters the last nucleotide of the exon and is predicted to destroy the splice donor site but the effect on protein function is unclear; Not observed at significant frequency in large population cohorts (gnomAD); This variant is associated with the following publications: (PMID: 25525159, 20507924, 15671307, 32037395, 15325563, 34906470)

Labcorp Genetics (formerly Invitae), Labcorp
Classification: Pathogenic. Last evaluated: 2025-05-29. Review status: criteria provided, single submitter. Criteria: Invitae Variant Classification Sherloc (09022015). Collection method: clinical testing. Allele origin: germline.
Comment: This sequence change replaces arginine, which is basic and polar, with threonine, which is neutral and polar, at codon 517 of the USH2A protein (p.Arg517Thr). This variant also falls at the last nucleotide of exon 8, which is part of the consensus splice site for this exon. This variant is present in population databases (no rsID available, gnomAD 0.002%). This missense change has been observed in individuals with Usher syndrome or non-syndromic retinal disease (PMID: 15325563, 15671307, 20507924; internal data). It has also been observed to segregate with disease in related individuals. ClinVar contains an entry for this variant (Variation ID: 552769). An algorithm developed to predict the effect of missense changes on protein structure and function (PolyPhen-2) suggests that this variant is likely to be disruptive. Variants that disrupt the consensus splice site are a relatively common cause of aberrant splicing (PMID: 17576681, 9536098). Algorithms developed to predict the effect of sequence changes on RNA splicing suggest that this variant may disrupt the consensus splice site. For these reasons, this variant has been classified as Pathogenic.

Baylor Genetics
Classification: Likely pathogenic for Retinitis pigmentosa 39. Last evaluated: 2024-02-20. Review status: criteria provided, single submitter. Criteria: ACMG Guidelines, 2015. Collection method: clinical testing. Allele origin: unknown.

Women's Health and Genetics/Laboratory Corporation of America, LabCorp
Classification: Likely pathogenic for Usher syndrome. Last evaluated: 2023-07-26. Review status: criteria provided, single submitter. Criteria: LabCorp Variant Classification Summary - May 2015. Collection method: clinical testing. Allele origin: germline.
Comment: Variant summary: USH2A c.1550G>C (p.Arg517Thr) results in a non-conservative amino acid change located in the Laminin, N-terminal domain (IPR008211) of the encoded protein sequence. Four of five in-silico tools predict a damaging effect of the variant on protein function. In addition, this variant disrupts the last nucleotide of exon 8, and therefore can affect splicing. Computational tools predict no significant impact on normal splicing. However, this precludes an exact estimation of the computational splicing impact. The variant allele was found at a frequency of 4e-06 in 250598 control chromosomes (gnomAD). The available data on variant occurrences in the general population are insufficient to allow any conclusion about variant significance. c.1550G>C has been reported in the literature in multiple individuals affected with Usher Syndrome and inherited retinal degeneration, including three homozygotes (two in one family) (e.g., Seyedahmadi_2004, Schwartz_2005, Zampaglione_2020). These data indicate that the variant is likely to be associated with disease. To our knowledge, no experimental evidence demonstrating an impact on protein function has been reported. The following publications have been ascertained in the context of this evaluation (PMID: 16963483, 20507924, 15671307, 15325563, 32037395). Five ClinVar submitters (evaluation after 2014) have reported the variant with conflicting interpretations: four submitters classified the variant as uncertain significance, and one submitter classified it as pathogenic. Based on the evidence outlined above, the variant was classified as likely pathogenic.

Blueprint Genetics
Classification: Pathogenic for USH2A-related disorders. Last evaluated: 2022-09-21. Review status: criteria provided, single submitter. Criteria: ACMG Guidelines, 2015. Collection method: clinical testing. Allele origin: germline. Affected: yes. Observed: 5 variant alleles.

Myriad Genetics, Inc.
Classification: Uncertain significance for Usher syndrome type 2A. Last evaluated: 2021-11-16. Review status: criteria provided, single submitter. Criteria: Myriad Women's Health Autosomal Recessive and X-Linked Classification Criteria (2021). Collection method: clinical testing. Allele origin: unknown.
Comment: NM_206933.2(USH2A):c.1550G>C(R517T) is a missense variant classified as a variant of uncertain significance in the context of USH2A-related disorders. R517T has been observed in cases with relevant disease (PMID: 15671307, 15325563). Functional assessments of this variant are not available in the literature. R517T has been observed in population frequency databases (gnomAD: NFE <0.001%). In summary, there is insufficient evidence to classify NM_206933.2(USH2A):c.1550G>C(R517T) as pathogenic or benign. Please note: this variant was assessed in the context of healthy population screening.

Ocular Genomics Institute, Massachusetts Eye and Ear
Classification: Uncertain significance for Retinitis pigmentosa 39. Last evaluated: 2021-04-08. Review status: criteria provided, single submitter. Criteria: ACMG Guidelines, 2015. Collection method: research. Allele origin: germline. Affected: yes.
Comment: Through a review of available evidence we were able to apply the following criteria: PM2, PP3. Based on this evidence we have classified this variant as Variant of Uncertain Significance.

Literature cited by the submitters: PubMed 15325563 (cited by 4 submitters); PubMed 15671307 (cited by 4 submitters); PubMed 20507924 (cited by 3 submitters); PubMed 17576681 (cited by Labcorp Genetics (formerly Invitae), Labcorp); PubMed 9536098 (cited by Labcorp Genetics (formerly Invitae), Labcorp); PubMed 16963483 (cited by Women's Health and Genetics/Laboratory Corporation of America, LabCorp); PubMed 32037395 (cited by Women's Health and Genetics/Laboratory Corporation of America, LabCorp); PubMed 25525159 (cited by Ocular Genomics Institute, Massachusetts Eye and Ear).

NM_206933.4(USH2A):c.1550G>C (p.Arg517Thr)

Gene: USH2A (usherin; minus strand). Cytogenetic location: 1q41.
Variant type: single nucleotide variant.
Coding change: c.1550G>C on transcript NM_206933.4 (MANE Select); coding-DNA position 1550, G replaced by C.
Protein change: p.Arg517Thr; replaces arginine 517 with threonine.
Molecular consequence: missense variant.
Genome position (GRCh38, 1-based): chr1:216,323,474, C>G on the plus strand (G>C on the coding strand, the complement: USH2A is on the minus strand). VCF-style: chr1-216323474-C-G. GRCh37 (hg19) VCF-style: chr1-216496816-C-G.
Other names: c.1550G>C, p.Arg517Thr (NM_007123.6); short protein forms R517T.
Identifiers: ClinVar variation 552769 (VCV000552769.24), dbSNP rs1393503590, ClinGen allele CA344909389.